The following is an entry in ClinVar:

NM_014494.4(TNRC6A):c.31G>A (p.Asp11Asn)

Gene: TNRC6A (trinucleotide repeat containing adaptor 6A; plus strand). Cytogenetic location: 16p12.1.
Variant type: single nucleotide variant.
Coding change: c.31G>A on transcript NM_014494.4 (MANE Select); coding-DNA position 31, G replaced by A.
Protein change: p.Asp11Asn; replaces aspartic acid 11 with asparagine.
Molecular consequence: missense variant. On other transcripts: intron variant (1).
Genome position (GRCh38, 1-based): chr16:24,730,278, G>A. VCF-style: chr16-24730278-G-A. GRCh37 (hg19) VCF-style: chr16-24741599-G-A.
Other names: c.31G>A, p.Asp11Asn (NM_001330520.3); c.81-20448G>A (NM_001351850.2); short protein forms D11N.
Identifiers: ClinVar variation 3774546 (VCV003774546.1).

ClinVar aggregate classification (germline): Uncertain significance (1 of 4 stars; one submission).

Conditions:
Familial meningioma. Also called: Meningioma, familial, susceptibility to. Identifiers: Orphanet 263662, MedGen C3551915, MONDO:0011789, OMIM 607174.

gnomAD v4.1: 15 of 1,603,204 alleles (0.00094%); highest among the groups gnomAD compares: Non-Finnish European, 0.0013%; no homozygotes.

Submission:

Dr. Guy Rouleau's laboratory, McGill University
Classification: Uncertain significance for Familial meningioma. Last evaluated: 2025-03-22. Review status: criteria provided, single submitter. Criteria: ACMG Guidelines, 2015. Collection method: research. Allele origin: germline. Affected: yes.
Comment: This missense variant located at the position 11, is change from Aspartic Acid (D), an acidic amino acid to Asparagine (N), neutral and polar amino acid in TNRC6A gene. This variant has not been reported in population database (gnomAD v4.1.1 no frequency). Based on the available evidence, the clinical significance of this variant is unknown.